The following is an entry in ClinVar:

ClinVar aggregate classification (germline): Benign. Review status: criteria provided, multiple submitters, no conflicts (2 of 4 stars). 6 submissions from 6 submitters: Benign (6). Last evaluated 2026-02-02.

Conditions:
Microcephalic osteodysplastic primordial dwarfism type II (MOPD2). Also called: Microcephalic osteodysplastic primordial dwarfism with tooth abnormalities; OSTEODYSPLASTIC PRIMORDIAL DWARFISM, TYPE II; MOPD II. Identifiers: Orphanet 2637, MedGen C0432246, MONDO:0008872, OMIM 210720.

Allele frequency attached by ClinVar (database versions not stated): 1000 Genomes Project 0.02536; gnomAD exomes 0.03210 and 0.03704; ExAC 0.03336; gnomAD 0.03445 and 0.03505; TOPMed 0.04141; ESP Exome Variant Server 0.04844.
gnomAD v4.1: 59,031 of 1,598,466 alleles (3.7%); highest among the groups gnomAD compares: Middle Eastern, 7.9%; 1,525 homozygotes.

Submissions (6):

Labcorp Genetics (formerly Invitae), Labcorp
Classification: Benign. Last evaluated: 2026-02-02. Review status: criteria provided, single submitter. Criteria: Invitae Variant Classification Sherloc (09022015). Collection method: clinical testing. Allele origin: germline.

Illumina Laboratory Services, Illumina
Classification: Benign for Microcephalic osteodysplastic primordial dwarfism type II. Last evaluated: 2018-01-12. Review status: criteria provided, single submitter. Criteria: ICSL Variant Classification Criteria 13 December 2019. Collection method: clinical testing. Allele origin: germline.
Comment: This variant was observed in the ICSL laboratory as part of a predisposition screen in an ostensibly healthy population. It had not been previously curated by ICSL or reported in the Human Gene Mutation Database (HGMD: prior to June 1st, 2018), and was therefore a candidate for classification through an automated scoring system. Utilizing variant allele frequency, disease prevalence and penetrance estimates, and inheritance mode, an automated score was calculated to assess if this variant is too frequent to cause the disease. Based on the score and internal cut-off values, a variant classified as benign is not then subjected to further curation. The score for this variant resulted in a classification of benign for this disease.

Eurofins Ntd Llc (ga)
Classification: Benign. Last evaluated: 2015-07-30. Review status: criteria provided, single submitter. Criteria: EGL Classification Definitions 2015. Collection method: clinical testing. Allele origin: germline. Observed: 1 variant allele, 1 heterozygote.

GeneDx
Classification: Benign. Last evaluated: 2014-05-23. Review status: criteria provided, single submitter. Criteria: GeneDx Variant Classification (06012015). Collection method: clinical testing. Allele origin: germline. Affected: yes.
Comment: This variant is considered likely benign or benign based on one or more of the following criteria: it is a conservative change, it occurs at a poorly conserved position in the protein, it is predicted to be benign by multiple in silico algorithms, and/or has population frequency not consistent with disease.

Genetic Services Laboratory, University of Chicago
Classification: Benign. Last evaluated: 2013-02-08. Review status: criteria provided, single submitter. Criteria: ACMG Guidelines, 2007. Collection method: clinical testing. Allele origin: germline. Inheritance: Autosomal recessive inheritance.

Breakthrough Genomics
Classification: Benign. Review status: criteria provided, single submitter. Criteria: ACMG Guidelines, 2015. Collection method: not provided. Allele origin: germline. Inheritance: Autosomal recessive inheritance. Affected: yes.

NM_006031.6(PCNT):c.498A>G (p.Pro166=)

Gene: PCNT (pericentrin; plus strand). Cytogenetic location: 21q22.3.
Variant type: single nucleotide variant.
Coding change: c.498A>G on transcript NM_006031.6 (MANE Select); coding-DNA position 498, A replaced by G.
Protein change: p.Pro166=; no amino-acid change (proline 166 retained).
Molecular consequence: synonymous variant.
Genome position (GRCh38, 1-based): chr21:46,334,627, A>G. VCF-style: chr21-46334627-A-G. GRCh37 (hg19) VCF-style: chr21-47754541-A-G.
Other names: p.P166P:CCA>CCG; c.144A>G, p.Pro48= (NM_001315529.2).
Identifiers: ClinVar variation 138612 (VCV000138612.21), dbSNP rs61735824, ClinGen allele CA173021.